The following is an entry in ClinVar:

NM_016341.4(PLCE1):c.265A>C (p.Lys89Gln)

Gene: PLCE1 (phospholipase C epsilon 1; plus strand). Cytogenetic location: 10q23.33.
Variant type: single nucleotide variant.
Coding change: c.265A>C on transcript NM_016341.4 (MANE Select); coding-DNA position 265, A replaced by C.
Protein change: p.Lys89Gln; replaces lysine 89 with glutamine.
Molecular consequence: missense variant.
Genome position (GRCh38, 1-based): chr10:94,031,311, A>C. VCF-style: chr10-94031311-A-C. GRCh37 (hg19) VCF-style: chr10-95791068-A-C.
Other names: c.265A>C, p.Lys89Gln (NM_001288989.2); short protein forms K89Q.
Identifiers: ClinVar variation 3349107 (VCV003349107.1).

ClinVar aggregate classification (germline): Uncertain significance (0 of 4 stars; one submission).

Conditions:
PLCE1-related disorder. Also called: PLCE1-related condition.

Submission:

PreventionGenetics, part of Exact Sciences
Classification: Uncertain significance for PLCE1-related condition. Last evaluated: 2024-03-15. Review status: no assertion criteria provided. Collection method: clinical testing. Allele origin: germline.
Comment: The PLCE1 c.265A>C variant is predicted to result in the amino acid substitution p.Lys89Gln. To our knowledge, this variant has not been reported in the literature or in a large population database, indicating this variant is rare. At this time, the clinical significance of this variant is uncertain due to the absence of conclusive functional and genetic evidence.